The following is an entry in ClinVar:

ClinVar aggregate classification (germline): Pathogenic (1 of 4 stars; one submission).

Conditions:
Congenital malabsorptive diarrhea 4. Also called: ENTERIC ANENDOCRINOSIS; DIARRHEA 4, MALABSORPTIVE, CONGENITAL, WITH DIABETES MELLITUS AND COMBINED PITUITARY HORMONE DEFICIENCY. Identifiers: Orphanet 83620, MedGen C1835888, MONDO:0012479, OMIM 610370, HP:6001346.

gnomAD v4.1: 1 of 1,614,136 alleles (0.000062%); highest among the groups gnomAD compares: Non-Finnish European, 0.000085%; no homozygotes.

Submission:

Center of Excellence in Precision Medicine and Digital Health (CEPMDH), Faculty of Dentistry, Chulalongkorn University
Classification: Pathogenic for Congenital malabsorptive diarrhea 4. Review status: criteria provided, single submitter. Criteria: ACMG Guidelines, 2015. Collection method: clinical testing. Allele origin: biparental, germline. Inheritance: Autosomal recessive inheritance. Affected: yes and no. Observed: 3 variant alleles, 2 heterozygotes, 1 homozygote. Clinical features observed: Malabsorption (HP:0002024).
Comment: Homozygous and heterozygous variants in NEUROG3 were previously reported in an autosomal recessive congenital malabsorptive diarrhea (J Wang 2006, O Rubio-Cabezas 2011). This variant was classified as pathogenic based on ACMG guidelines.

NM_020999.4(NEUROG3):c.371C>G (p.Thr124Arg)

Gene: NEUROG3 (neurogenin 3; minus strand). Cytogenetic location: 10q22.1.
Variant type: single nucleotide variant.
Coding change: c.371C>G on transcript NM_020999.4 (MANE Select); coding-DNA position 371, C replaced by G.
Protein change: p.Thr124Arg; replaces threonine 124 with arginine.
Molecular consequence: missense variant.
Genome position (GRCh38, 1-based): chr10:69,572,673, G>C on the plus strand (C>G on the coding strand, the complement: NEUROG3 is on the minus strand). VCF-style: chr10-69572673-G-C. GRCh37 (hg19) VCF-style: chr10-71332429-G-C.
Other names: short protein forms T124R.
Identifiers: ClinVar variation 1327470 (VCV001327470.2), dbSNP rs2133227010, ClinGen allele CA376922172.